The following is an entry in ClinVar:

NM_001174147.2(LMX1B):c.109C>T (p.Pro37Ser)

Gene: LMX1B (LIM homeobox transcription factor 1 beta; plus strand). Cytogenetic location: 9q33.3.
Variant type: single nucleotide variant.
Coding change: c.109C>T on transcript NM_001174147.2 (MANE Select); coding-DNA position 109, C replaced by T.
Protein change: p.Pro37Ser; replaces proline 37 with serine.
Molecular consequence: missense variant.
Genome position (GRCh38, 1-based): chr9:126,614,558, C>T. VCF-style: chr9-126614558-C-T. GRCh37 (hg19) VCF-style: chr9-129376837-C-T.
Other names: c.109C>T, p.Pro37Ser (NM_001174146.2, NM_002316.4); short protein forms P37S.
Identifiers: ClinVar variation 2419247 (VCV002419247.6), dbSNP rs1012810702, ClinGen allele CA199786921.

ClinVar aggregate classification (germline): Uncertain significance (1 of 4 stars; one submission).

Allele frequency attached by ClinVar (database versions not stated): gnomAD 0.00002.
gnomAD v4.1: 51 of 1,567,954 alleles (0.0033%); highest among the groups gnomAD compares: Non-Finnish European, 0.0042%; no homozygotes.

Submission:

Labcorp Genetics (formerly Invitae), Labcorp
Classification: Uncertain significance. Last evaluated: 2023-11-27. Review status: criteria provided, single submitter. Criteria: Invitae Variant Classification Sherloc (09022015). Collection method: clinical testing. Allele origin: germline.
Comment: This sequence change replaces proline, which is neutral and non-polar, with serine, which is neutral and polar, at codon 37 of the LMX1B protein (p.Pro37Ser). This variant is present in population databases (no rsID available, gnomAD 0.005%). This variant has not been reported in the literature in individuals affected with LMX1B-related conditions. ClinVar contains an entry for this variant (Variation ID: 2419247). An algorithm developed to predict the effect of missense changes on protein structure and function (PolyPhen-2) suggests that this variant is likely to be tolerated. In summary, the available evidence is currently insufficient to determine the role of this variant in disease. Therefore, it has been classified as a Variant of Uncertain Significance.